The following is an entry in ClinVar:

ClinVar aggregate classification (germline): Uncertain significance (1 of 4 stars; one submission).

Conditions:
Intellectual developmental disorder, autosomal recessive 47. Also called: Intellectual disability, autosomal recessive 47. Identifiers: Orphanet 88616, MedGen C4015444, MONDO:0014524, OMIM 616193.

Allele frequency attached by ClinVar (database versions not stated): ExAC 0.00002; gnomAD exomes 0.00005; TOPMed 0.00002.
gnomAD v4.1: 79 of 1,609,344 alleles (0.0049%); highest among the groups gnomAD compares: Middle Eastern, 0.033%; 1 homozygote.

Submission:

Baylor Genetics
Classification: Uncertain significance for Intellectual developmental disorder, autosomal recessive 47. Last evaluated: 2018-06-28. Review status: criteria provided, single submitter. Criteria: ACMG Guidelines, 2015. Collection method: clinical testing. Allele origin: paternal. Affected: yes.
Comment: This variant was determined to be of uncertain significance according to ACMG Guidelines, 2015 [PMID:25741868].

NM_020066.5(FMN2):c.2753C>T (p.Ala918Val)

Gene: FMN2 (formin 2; plus strand). Cytogenetic location: 1q43.
Variant type: single nucleotide variant.
Coding change: c.2753C>T on transcript NM_020066.5 (MANE Select); coding-DNA position 2753, C replaced by T.
Protein change: p.Ala918Val; replaces alanine 918 with valine.
Molecular consequence: missense variant. On other transcripts: intron variant (1).
Genome position (GRCh38, 1-based): chr1:240,207,565, C>T. VCF-style: chr1-240207565-C-T. GRCh37 (hg19) VCF-style: chr1-240370865-C-T.
Other names: c.2765C>T, p.Ala922Val (NM_001305424.2); c.1986+19303C>T (NM_001348094.2); short protein forms A918V, A922V.
Identifiers: ClinVar variation 1033517 (VCV001033517.1), dbSNP rs768693892, ClinGen allele CA1476713.